The following is an entry in ClinVar:

ClinVar aggregate classification (germline): Uncertain significance (1 of 4 stars; one submission).

gnomAD v4.1: 7 of 1,614,216 alleles (0.00043%); highest among the groups gnomAD compares: Non-Finnish European, 0.00059%; no homozygotes.

Submission:

Quest Diagnostics Nichols Institute San Juan Capistrano
Classification: Uncertain significance. Last evaluated: 2024-10-26. Review status: criteria provided, single submitter. Criteria: Quest Diagnostics criteria. Collection method: clinical testing. Allele origin: unknown.
Comment: The APOB c.1168T>A (p.Cys390Ser) variant has not been reported in individuals with APOB-related conditions in the published literature. It also has not been reported in large, multi-ethnic general populations (Genome Aggregation Database). Analysis of this variant using bioinformatics tools for the prediction of the effect of amino acid changes on protein structure and function yielded predictions that this variant is damaging. Based on the available information, we are unable to determine the clinical significance of this variant.

NM_000384.3(APOB):c.1168T>A (p.Cys390Ser)

Gene: APOB (apolipoprotein B; minus strand). Cytogenetic location: 2p24.1.
Variant type: single nucleotide variant.
Coding change: c.1168T>A on transcript NM_000384.3 (MANE Select); coding-DNA position 1168, T replaced by A.
Protein change: p.Cys390Ser; replaces cysteine 390 with serine.
Molecular consequence: missense variant.
Genome position (GRCh38, 1-based): chr2:21,032,538, A>T on the plus strand (T>A on the coding strand, the complement: APOB is on the minus strand). VCF-style: chr2-21032538-A-T. GRCh37 (hg19) VCF-style: chr2-21255410-A-T.
Other names: short protein forms C390S.
Identifiers: ClinVar variation 3572064 (VCV003572064.1).
Genomic context (GRCh38, chr2:21,032,538, plus strand): 5'-CATCTATCAGAAGGGGGTTGGCATGCACACGTTTCAGCCACTGGAGGATGTGAGTGGAGC[A>T]CTGAGGCTGTCCACACTGAACCAAGGCTTGTAAAGTGATGGGGCTGAGAAGAAAGACATG-3'
Protein context (NP_000375.3, residues 380-400): QALVQCGQPQ[Cys390Ser]STHILQWLKR